The following is an entry in ClinVar:

ClinVar aggregate classification (germline): Uncertain significance (1 of 4 stars; one submission).

Allele frequency attached by ClinVar (database versions not stated): gnomAD exomes below 0.00001; ExAC 0.00003; TOPMed 0.00003; gnomAD 0.00004; ESP Exome Variant Server 0.00015.
gnomAD v4.1: 12 of 1,611,456 alleles (0.00074%); highest among the groups gnomAD compares: African/African-American, 0.0053%; no homozygotes.

Submission:

Labcorp Genetics (formerly Invitae), Labcorp
Classification: Uncertain significance. Last evaluated: 2025-11-03. Review status: criteria provided, single submitter. Criteria: Invitae Variant Classification Sherloc (09022015). Collection method: clinical testing. Allele origin: germline.
Comment: This sequence change replaces arginine, which is basic and polar, with cysteine, which is neutral and slightly polar, at codon 641 of the CLCN7 protein (p.Arg641Cys). This variant is present in population databases (rs370109321, gnomAD 0.02%). This variant has not been reported in the literature in individuals affected with CLCN7-related conditions. ClinVar contains an entry for this variant (Variation ID: 2417925). An algorithm developed to predict the effect of missense changes on protein structure and function (PolyPhen-2) suggests that this variant is likely to be disruptive. In summary, the available evidence is currently insufficient to determine the role of this variant in disease. Therefore, it has been classified as a Variant of Uncertain Significance.

NM_001287.6(CLCN7):c.1921C>T (p.Arg641Cys)

Gene: CLCN7 (chloride voltage-gated channel 7; minus strand). Cytogenetic location: 16p13.3.
Variant type: single nucleotide variant.
Coding change: c.1921C>T on transcript NM_001287.6 (MANE Select); coding-DNA position 1921, C replaced by T.
Protein change: p.Arg641Cys; replaces arginine 641 with cysteine.
Molecular consequence: missense variant.
Genome position (GRCh38, 1-based): chr16:1,448,447, G>A on the plus strand (C>T on the coding strand, the complement: CLCN7 is on the minus strand). VCF-style: chr16-1448447-G-A. GRCh37 (hg19) VCF-style: chr16-1498448-G-A.
Other names: c.1849C>T, p.Arg617Cys (NM_001114331.3); short protein forms R617C, R641C.
Identifiers: ClinVar variation 2417925 (VCV002417925.6), dbSNP rs370109321, ClinGen allele CA7809988.